The following is an entry in ClinVar:

NM_005026.5(PIK3CD):c.1570T>A (p.Tyr524Asn)

Gene: PIK3CD (phosphatidylinositol-4,5-bisphosphate 3-kinase catalytic subunit delta; plus strand). Cytogenetic location: 1p36.22.
Variant type: single nucleotide variant.
Coding change: c.1570T>A on transcript NM_005026.5 (MANE Select); coding-DNA position 1570, T replaced by A.
Protein change: p.Tyr524Asn; replaces tyrosine 524 with asparagine.
Molecular consequence: missense variant.
Genome position (GRCh38, 1-based): chr1:9,720,790, T>A. VCF-style: chr1-9720790-T-A. GRCh37 (hg19) VCF-style: chr1-9780848-T-A.
Other names: NM_005026.5(PIK3CD):c.1570T>A; p.Tyr524Asn; c.1567T>A, p.Tyr523Asn (NM_001350234.2); c.1483T>A, p.Tyr495Asn (NM_001350235.1); short protein forms Y495N, Y524N, Y523N.
Identifiers: ClinVar variation 1406866 (VCV001406866.7), dbSNP rs2100954909, ClinGen allele CA338303802.

ClinVar aggregate classification (germline): Likely pathogenic. Review status: reviewed by expert panel (3 of 4 stars). 3 submissions from 3 submitters: Likely pathogenic (1). 2 of the submissions do not count toward it. Last evaluated 2025-12-19.

Conditions:
Immunodeficiency 14 (IMD14A). Also called: ACTIVATED PI3K-DELTA SYNDROME 1; Activated PI3K Delta Syndrome Type 1 (APDS1); p110-DELTA-ACTIVATING MUTATION CAUSING SENESCENT T CELLS, LYMPHADENOPATHY, AND IMMUNODEFICIENCY; IMMUNODEFICIENCY 14A WITH LYMPHOPROLIFERATION, AUTOSOMAL DOMINANT. Identifiers: Orphanet 397596, Orphanet 693661, MedGen C5907821, MONDO:0014222, OMIM 615513.

Submissions (3):

ClinGen Primary Immune Regulatory Disorders Variant Curation Expert Panel, ClinGen
Classification: Likely pathogenic for Immunodeficiency 14. Last evaluated: 2025-12-19. Review status: reviewed by expert panel. Criteria: ClinGen AbDef ACMG Specifications PIK3CD V1.0.0. Collection method: curation. Allele origin: germline. Inheritance: Autosomal dominant inheritance.
Comment: NM_005026.5(PIK3CD):c.1570T>A (p.Tyr524Asn) is a missense variant predicted to cause substitution of tyrosine by asparagine at amino acid 524. Another missense variant c.1571A>C (p.Tyr524Ser) in the same codon has been classified as likely pathogenic for immunodeficiency 14 by the ClinGen Antibody Deficiencies VCEP, but has not been applied for PM5_Supporting in order to avoid circularity. This variant is absent from gnomAD v4.1.0 (PM2_Supporting). At least one patient (Patient 1 from PMID: 30138677) harboring the variant exhibited a phenotype including recurrent sinopulmonary infections with bronchiectasis (4 pts), hepatosplenomegaly and distinctive nodular lymphoid hyperplasia of mucosal surface (4 pts), and recurrent infections with herpesvirus, cytomegalovirus, and adenovirus (3 pts), with genotyping that did not identify an alternative basis for disease in the PIK3R1 gene, which together are highly specific for immunodeficiency 14. Additionally, phospho-AKT assay in patient cells revealed over-activation of the PI3K pathway (11 total points, PMID: 30138677, PP4_Moderate). The variant was identified as a de novo occurrence in the family, with confirmed parental relationships by next-generation sequencing of the proband and parents (2 points, PMID: 30138677, PS2). This variant has been reported in a separate publication of a proband with phenotypes meeting the standard for inclusion in PS4_Supporting, however, the code is not met as this report may be a second description of the same individual previously described (PMID: 35799777, PMID: 30138677). The computational predictor REVEL gives a score of 0.265, which is below the ClinGen Antibody Deficiencies VCEP threshold of <0.290 and predicts a non-damaging effect on PIK3CD function. The computational predictor CADD gives a PHRED score of 23.0, which is above the ClinGen Antibody Deficiencies VCEP threshold of <22.7 and does not predict a non-deleterious effect on PIK3CD function. Because the two predictors do not agree on a non-damaging effect, BP4 is not met. In summary, this variant meets the criteria to be classified as likely pathogenic for Immunodeficiency 14 based on the ACMG/AMP criteria applied, as specified by the ClinGen Antibody Deficiencies VCEP: PM2_Supporting, PP4_Moderate, and PS2. (VCEP specifications version 1.0.0).

3billion
Classification: Likely pathogenic for Immunodeficiency 14. Last evaluated: 2025-11-25. Review status: criteria provided, single submitter. Criteria: ACMG Guidelines, 2015. Collection method: clinical testing. Allele origin: germline. Affected: yes. Not counted in ClinVar's aggregate classification.
Comment: The variant is not observed in the gnomAD v4.1.0 dataset. Predicted Consequence/Location: Missense variant In silico tool predictions suggest damaging effect of the variant on gene or gene product [3Cnet: 0.99 (> 0.75, sensitivity 0.96 and precision 0.92)]. The same nucleotide change resulting in the same amino acid change has been previously reported to be associated with PIK3CD-related disorder (ClinVar ID: VCV001406866 /PMID: 30138677).The variant has been previously reported as de novo in a similarly affected individual (PMID: 30138677). Different missense changes at the same codon (p.Tyr524Asp, p.Tyr524Ser) have been reported to be associated with PIK3CD-related disorder (ClinVar ID: VCV001457684 /PMID: 33080915, 35296988). Therefore, this variant is classified as Likely pathogenic according to the recommendation of ACMG/AMP guideline.

Labcorp Genetics (formerly Invitae), Labcorp
Classification: Pathogenic for Activated PI3K-delta syndrome. Last evaluated: 2021-11-11. Review status: criteria provided, single submitter. Criteria: Invitae Variant Classification Sherloc (09022015). Collection method: clinical testing. Allele origin: germline. Not counted in ClinVar's aggregate classification.
Comment: Algorithms developed to predict the effect of missense changes on protein structure and function are either unavailable or do not agree on the potential impact of this missense change (SIFT: "Deleterious"; PolyPhen-2: "Possibly Damaging"; Align-GVGD: "Class C0"). This missense change has been observed in individual(s) with activated PI3K-delta syndrome (PMID: 30138677, 30499059). In at least one individual the variant was observed to be de novo. This variant is not present in population databases (gnomAD no frequency). This sequence change replaces tyrosine, which is neutral and polar, with asparagine, which is neutral and polar, at codon 524 of the PIK3CD protein (p.Tyr524Asn). This variant disrupts the p.Tyr524 amino acid residue in PIK3CD. Other variant(s) that disrupt this residue have been determined to be pathogenic (PMID: 31031754). This suggests that this residue is clinically significant, and that variants that disrupt this residue are likely to be disease-causing. For these reasons, this variant has been classified as Pathogenic.

Literature cited by the submitters: PubMed 33080915 (cited by 3billion); PubMed 30138677 (cited by 3billion and Labcorp Genetics (formerly Invitae), Labcorp); PubMed 30499059 (cited by Labcorp Genetics (formerly Invitae), Labcorp); PubMed 31031754 (cited by Labcorp Genetics (formerly Invitae), Labcorp).